The following is an entry in ClinVar:

ClinVar aggregate classification (germline): Uncertain significance (1 of 4 stars; one submission).

Conditions:
Hereditary cancer-predisposing syndrome. Also called: Neoplastic Syndromes, Hereditary; Tumor predisposition; Hereditary neoplastic syndrome; Hereditary Cancer Syndrome. Identifiers: Orphanet 140162, MedGen C0027672, MeSH D009386, MONDO:0015356.

Submission:

Ambry Genetics
Classification: Uncertain significance for Hereditary cancer-predisposing syndrome. Last evaluated: 2018-03-23. Review status: criteria provided, single submitter. Criteria: Ambry Variant Classification Scheme 2023. Collection method: clinical testing. Allele origin: germline.
Comment: The p.A262G variant (also known as c.785C>G), located in coding exon 4 of the BARD1 gene, results from a C to G substitution at nucleotide position 785. The alanine at codon 262 is replaced by glycine, an amino acid with similar properties. This amino acid position is not well conserved in available vertebrate species. In addition, this alteration is predicted to be tolerated by in silico analysis. Since supporting evidence is limited at this time, the clinical significance of this alteration remains unclear.

NM_000465.4(BARD1):c.785C>G (p.Ala262Gly)

Gene: BARD1 (BRCA1 associated RING domain 1; minus strand). Cytogenetic location: 2q35.
Variant type: single nucleotide variant.
Coding change: c.785C>G on transcript NM_000465.4 (MANE Select); coding-DNA position 785, C replaced by G.
Protein change: p.Ala262Gly; replaces alanine 262 with glycine.
Molecular consequence: missense variant. On other transcripts: non-coding transcript variant (2), intron variant (3).
Genome position (GRCh38, 1-based): chr2:214,781,089, G>C on the plus strand (C>G on the coding strand, the complement: BARD1 is on the minus strand). VCF-style: chr2-214781089-G-C. GRCh37 (hg19) VCF-style: chr2-215645813-G-C.
Other names: c.728C>G, p.Ala243Gly (NM_001282543.2); c.158+28323C>G (NM_001282548.2); c.215+15972C>G (NM_001282545.2); c.364+11208C>G (NM_001282549.2); short protein forms A243G, A262G.
Identifiers: ClinVar variation 827292 (VCV000827292.4), dbSNP rs1553622444, ClinGen allele CA350455770.